The following is an entry in ClinVar:

ClinVar aggregate classification (germline): Uncertain significance (1 of 4 stars; one submission).

Conditions:
Developmental and epileptic encephalopathy, 12 (DEE12). Identifiers: MedGen C3150988, MONDO:0013389, OMIM 613722.

gnomAD v4.1: 1 of 1,612,254 alleles (0.000062%); highest among the groups gnomAD compares: Non-Finnish European, 0.000085%; no homozygotes.

Submission:

Labcorp Genetics (formerly Invitae), Labcorp
Classification: Uncertain significance for Developmental and epileptic encephalopathy, 12. Last evaluated: 2018-10-09. Review status: criteria provided, single submitter. Criteria: Invitae Variant Classification Sherloc (09022015). Collection method: clinical testing. Allele origin: germline.
Comment: In summary, the available evidence is currently insufficient to determine the role of this variant in disease. Therefore, it has been classified as a Variant of Uncertain Significance. Algorithms developed to predict the effect of missense changes on protein structure and function (SIFT, PolyPhen-2, Align-GVGD) all suggest that this variant is likely to be tolerated, but these predictions have not been confirmed by published functional studies and their clinical significance is uncertain. This variant has not been reported in the literature in individuals with PLCB1-related disease. This variant is not present in population databases (ExAC no frequency). This sequence change replaces valine with isoleucine at codon 134 of the PLCB1 protein (p.Val134Ile). The valine residue is moderately conserved and there is a small physicochemical difference between valine and isoleucine.

NM_015192.4(PLCB1):c.400G>A (p.Val134Ile)

Gene: PLCB1 (phospholipase C beta 1; plus strand). Cytogenetic location: 20p12.3.
Variant type: single nucleotide variant.
Coding change: c.400G>A on transcript NM_015192.4 (MANE Select); coding-DNA position 400, G replaced by A.
Protein change: p.Val134Ile; replaces valine 134 with isoleucine.
Molecular consequence: missense variant.
Genome position (GRCh38, 1-based): chr20:8,646,117, G>A. VCF-style: chr20-8646117-G-A. GRCh37 (hg19) VCF-style: chr20-8626764-G-A.
Other names: c.400G>A, p.Val134Ile (NM_182734.3); short protein forms V134I.
Identifiers: ClinVar variation 664330 (VCV000664330.9), dbSNP rs1199339071, ClinGen allele CA408262406.